The following is an entry in ClinVar:

NM_005751.5(AKAP9):c.8807C>G (p.Thr2936Arg)

Gene: AKAP9 (A-kinase anchoring protein 9; plus strand). Cytogenetic location: 7q21.2.
Variant type: single nucleotide variant.
Coding change: c.8807C>G on transcript NM_005751.5 (MANE Select); coding-DNA position 8807, C replaced by G.
Protein change: p.Thr2936Arg; replaces threonine 2936 with arginine.
Molecular consequence: missense variant.
Genome position (GRCh38, 1-based): chr7:92,084,915, C>G. VCF-style: chr7-92084915-C-G. GRCh37 (hg19) VCF-style: chr7-91714229-C-G.
Other names: c.3452C>G, p.Thr1151Arg (NM_001379277.1); c.8783C>G, p.Thr2928Arg (NM_147185.3); short protein forms T1151R, T2936R, T2928R.
Identifiers: ClinVar variation 2121507 (VCV002121507.4), dbSNP rs2535264698, ClinGen allele CA368141526.

ClinVar aggregate classification (germline): Uncertain significance (1 of 4 stars; one submission).

Conditions:
Long QT syndrome (LQTS). Identifiers: MedGen C0023976, MeSH D008133, MONDO:0002442. Disease mechanism: loss of function. Inheritance: Various modes of inheritance.

Allele frequency attached by ClinVar (database versions not stated): gnomAD exomes below 0.00001.
gnomAD v4.1: 1 of 1,613,254 alleles (0.000062%); highest among the groups gnomAD compares: South Asian, 0.0011%; no homozygotes.

Submission:

Labcorp Genetics (formerly Invitae), Labcorp
Classification: Uncertain significance for Long QT syndrome. Last evaluated: 2022-04-29. Review status: criteria provided, single submitter. Criteria: Invitae Variant Classification Sherloc (09022015). Collection method: clinical testing. Allele origin: germline.
Comment: In summary, the available evidence is currently insufficient to determine the role of this variant in disease. Therefore, it has been classified as a Variant of Uncertain Significance. Algorithms developed to predict the effect of missense changes on protein structure and function are either unavailable or do not agree on the potential impact of this missense change (SIFT: "Deleterious"; PolyPhen-2: "Possibly Damaging"; Align-GVGD: "Class C0"). This variant has not been reported in the literature in individuals affected with AKAP9-related conditions. This variant is not present in population databases (gnomAD no frequency). This sequence change replaces threonine, which is neutral and polar, with arginine, which is basic and polar, at codon 2936 of the AKAP9 protein (p.Thr2936Arg).